The following is an entry in ClinVar:

ClinVar aggregate classification (germline): Uncertain significance (0 of 4 stars; one submission).

Conditions:
CEP290-related disorder. Also called: CEP290-related condition; CEP290-related disorders. Identifiers: MedGen CN239314.

Submission:

PreventionGenetics, part of Exact Sciences
Classification: Uncertain significance for CEP290-related condition. Last evaluated: 2024-02-16. Review status: no assertion criteria provided. Collection method: clinical testing. Allele origin: germline.
Comment: The CEP290 c.4891G>A variant is predicted to result in the amino acid substitution p.Ala1631Thr. To our knowledge, this variant has not been reported in the literature or in a large population database, indicating this variant is rare. At this time, the clinical significance of this variant is uncertain due to the absence of conclusive functional and genetic evidence.

NM_025114.4(CEP290):c.4891G>A (p.Ala1631Thr)

Gene: CEP290 (centrosomal protein 290; minus strand). Cytogenetic location: 12q21.32.
Variant type: single nucleotide variant.
Coding change: c.4891G>A on transcript NM_025114.4 (MANE Select); coding-DNA position 4891, G replaced by A.
Protein change: p.Ala1631Thr; replaces alanine 1631 with threonine.
Molecular consequence: missense variant.
Genome position (GRCh38, 1-based): chr12:88,083,152, C>T on the plus strand (G>A on the coding strand, the complement: CEP290 is on the minus strand). VCF-style: chr12-88083152-C-T. GRCh37 (hg19) VCF-style: chr12-88476929-C-T.
Other names: short protein forms A1631T.
Identifiers: ClinVar variation 3349156 (VCV003349156.1).